The following is an entry in ClinVar:

ClinVar aggregate classification (germline): Benign (0 of 4 stars; one submission).

Conditions:
MEI1-related disorder. Also called: MEI1-related condition.

Allele frequency attached by ClinVar (database versions not stated): gnomAD exomes 0.00092; ExAC 0.00337; ESP Exome Variant Server 0.00823; gnomAD 0.01062; TOPMed 0.01150; 1000 Genomes Project 0.01298; 1000 Genomes Project 30x 0.01343.
gnomAD v4.1: 2,990 of 1,606,134 alleles (0.19%); highest among the groups gnomAD compares: African/African-American, 3.6%; 44 homozygotes.

Submission:

PreventionGenetics, part of Exact Sciences
Classification: Benign for MEI1-related condition. Last evaluated: 2019-02-24. Review status: no assertion criteria provided. Collection method: clinical testing. Allele origin: germline.
Comment: This variant is classified as benign based on ACMG/AMP sequence variant interpretation guidelines (Richards et al. 2015 PMID: 25741868, with internal and published modifications).

NM_152513.4(MEI1):c.2120+9A>G

Gene: MEI1 (meiotic double-stranded break formation protein 1; plus strand). Cytogenetic location: 22q13.2.
Variant type: single nucleotide variant.
Coding change: c.2120+9A>G on transcript NM_152513.4 (MANE Select); 9 bases into the intron after coding-DNA position 2120, A replaced by G.
Molecular consequence: intron variant.
Genome position (GRCh38, 1-based): chr22:41,758,542, A>G. VCF-style: chr22-41758542-A-G. GRCh37 (hg19) VCF-style: chr22-42154546-A-G.
Identifiers: ClinVar variation 3038584 (VCV003038584.2), dbSNP rs55997605, ClinGen allele CA10260410.
Genomic context (GRCh38, chr22:41,758,542, plus strand): 5'-GACAGTACTGCATCCTGCTCCTCTTCTACTTGGCCTACATCCATGAAGACAGGTCAGTGC[A>G]CAGAGGTGGGTGGCTGGTGGTGGGTCTTGGGACCTTCATCAGCAGTTCAGTTCAATAAAT-3'